The following is an entry in ClinVar:

NM_000238.4(KCNH2):c.844G>T (p.Ala282Ser)

Gene: KCNH2 (potassium voltage-gated channel subfamily H member 2; minus strand). Cytogenetic location: 7q36.1.
Variant type: single nucleotide variant.
Coding change: c.844G>T on transcript NM_000238.4 (MANE Select); coding-DNA position 844, G replaced by T.
Protein change: p.Ala282Ser; replaces alanine 282 with serine.
Molecular consequence: missense variant. On other transcripts: non-coding transcript variant (1).
Genome position (GRCh38, 1-based): chr7:150,958,131, C>A on the plus strand (G>T on the coding strand, the complement: KCNH2 is on the minus strand). VCF-style: chr7-150958131-C-A. GRCh37 (hg19) VCF-style: chr7-150655219-C-A.
Other names: c.556G>T, p.Ala186Ser (NM_001406753.1, NM_001406756.1); c.667G>T, p.Ala223Ser (NM_001406755.1); c.544G>T, p.Ala182Ser (NM_001406757.1); c.844G>T, p.Ala282Ser (NM_172056.3); short protein forms A182S, A223S, A282S, A186S.
Identifiers: ClinVar variation 4705128 (VCV004705128.1).

ClinVar aggregate classification (germline): Uncertain significance (1 of 4 stars; one submission).

Conditions:
Long QT syndrome (LQTS). Identifiers: MedGen C0023976, MeSH D008133, MONDO:0002442. Disease mechanism: loss of function. Inheritance: Various modes of inheritance.

gnomAD v4.1: 1 of 1,302,864 alleles (0.000077%); no homozygotes.

Submission:

Labcorp Genetics (formerly Invitae), Labcorp
Classification: Uncertain significance for Long QT syndrome. Last evaluated: 2025-08-24. Review status: criteria provided, single submitter. Criteria: Invitae Variant Classification Sherloc (09022015). Collection method: clinical testing. Allele origin: germline.
Comment: This sequence change replaces alanine, which is neutral and non-polar, with serine, which is neutral and polar, at codon 282 of the KCNH2 protein (p.Ala282Ser). This variant is not present in population databases (gnomAD no frequency). This variant has not been reported in the literature in individuals affected with KCNH2-related conditions. An algorithm developed to predict the effect of missense changes on protein structure and function (PolyPhen-2) suggests that this variant is likely to be tolerated. In summary, the available evidence is currently insufficient to determine the role of this variant in disease. Therefore, it has been classified as a Variant of Uncertain Significance.